The following is an entry in ClinVar:

ClinVar aggregate classification (germline): Uncertain significance. Review status: criteria provided, multiple submitters, no conflicts (2 of 4 stars). 2 submissions from 2 submitters: Uncertain significance (2). Last evaluated 2025-11-09.

Conditions:
Inborn genetic diseases. Identifiers: MedGen C0950123, MeSH D030342.

Submissions (2):

GeneDx
Classification: Uncertain significance. Last evaluated: 2025-11-09. Review status: criteria provided, single submitter. Criteria: GeneDx Variant Classification Process June 2021. Collection method: clinical testing. Allele origin: germline.
Comment: Not observed at significant frequency in large population cohorts (gnomAD); In silico analysis supports that this missense variant has a deleterious effect on protein structure/function; Has not been previously published as pathogenic or benign to our knowledge

Ambry Genetics
Classification: Uncertain significance for Inborn genetic diseases. Last evaluated: 2024-09-06. Review status: criteria provided, single submitter. Criteria: Ambry Variant Classification Scheme 2023. Collection method: clinical testing. Allele origin: germline.
Comment: The c.532A>G (p.R178G) alteration is located in exon 5 (coding exon 5) of the GNAI1 gene. This alteration results from an A to G substitution at nucleotide position 532, causing the arginine (R) at amino acid position 178 to be replaced by a glycine (G). This variant was not reported in population-based cohorts in the Genome Aggregation Database (gnomAD). This amino acid position is highly conserved in available vertebrate species. This missense alteration is located in a region that has a low rate of benign missense variation (Lek, 2016; Firth, 2009). This alteration is predicted to be deleterious by in silico analysis. Based on insufficient or conflicting evidence, the clinical significance of this alteration remains unclear.

NM_002069.6(GNAI1):c.532A>G (p.Arg178Gly)

Gene: GNAI1 (G protein subunit alpha i1; plus strand). Cytogenetic location: 7q21.11.
Variant type: single nucleotide variant.
Coding change: c.532A>G on transcript NM_002069.6 (MANE Select); coding-DNA position 532, A replaced by G.
Protein change: p.Arg178Gly; replaces arginine 178 with glycine.
Molecular consequence: missense variant.
Genome position (GRCh38, 1-based): chr7:80,203,774, A>G. VCF-style: chr7-80203774-A-G. GRCh37 (hg19) VCF-style: chr7-79833090-A-G.
Other names: c.376A>G, p.Arg126Gly (NM_001256414.2); short protein forms R126G, R178G.
Identifiers: ClinVar variation 3392757 (VCV003392757.3).